The following is an entry in ClinVar:

NM_182493.3(MYLK3):c.95T>C (p.Leu32Pro)

Gene: MYLK3 (myosin light chain kinase 3; minus strand). Cytogenetic location: 16q11.2.
Variant type: single nucleotide variant.
Coding change: c.95T>C on transcript NM_182493.3 (MANE Select); coding-DNA position 95, T replaced by C.
Protein change: p.Leu32Pro; replaces leucine 32 with proline.
Molecular consequence: missense variant. On other transcripts: intron variant (1).
Genome position (GRCh38, 1-based): chr16:46,748,099, A>G on the plus strand (T>C on the coding strand, the complement: MYLK3 is on the minus strand). VCF-style: chr16-46748099-A-G. GRCh37 (hg19) VCF-style: chr16-46782011-A-G.
Other names: c.-113-7952T>C (NM_001308301.1); short protein forms L32P.
Identifiers: ClinVar variation 4714183 (VCV004714183.1).

ClinVar aggregate classification (germline): Uncertain significance (1 of 4 stars; one submission).

Submission:

Labcorp Genetics (formerly Invitae), Labcorp
Classification: Uncertain significance. Last evaluated: 2025-03-02. Review status: criteria provided, single submitter. Criteria: Invitae Variant Classification Sherloc (09022015). Collection method: clinical testing. Allele origin: germline.
Comment: This sequence change replaces leucine, which is neutral and non-polar, with proline, which is neutral and non-polar, at codon 32 of the MYLK3 protein (p.Leu32Pro). This variant is not present in population databases (gnomAD no frequency). This variant has not been reported in the literature in individuals affected with MYLK3-related conditions. An algorithm developed to predict the effect of missense changes on protein structure and function (PolyPhen-2) suggests that this variant is likely to be disruptive. In summary, the available evidence is currently insufficient to determine the role of this variant in disease. Therefore, it has been classified as a Variant of Uncertain Significance.